The following is an entry in ClinVar:

NM_173477.5(USH1G):c.487C>T (p.Arg163Trp)

Gene: USH1G (USH1 protein network component sans; minus strand). Cytogenetic location: 17q25.1.
Variant type: single nucleotide variant.
Coding change: c.487C>T on transcript NM_173477.5 (MANE Select); coding-DNA position 487, C replaced by T.
Protein change: p.Arg163Trp; replaces arginine 163 with tryptophan.
Molecular consequence: missense variant.
Genome position (GRCh38, 1-based): chr17:74,920,349, G>A on the plus strand (C>T on the coding strand, the complement: USH1G is on the minus strand). VCF-style: chr17-74920349-G-A. GRCh37 (hg19) VCF-style: chr17-72916444-G-A.
Other names: c.178C>T, p.Arg60Trp (NM_001282489.3); short protein forms R163W, R60W.
Identifiers: ClinVar variation 1368808 (VCV001368808.8), dbSNP rs769161031, ClinGen allele CA8754065.
Genomic context (GRCh38, chr17:74,920,349, plus strand): 5'-ACGTGAGGCTGGAGAAGCTGAGGGTGTCGGAACGCTCGGCCAGCTCGCGCCGGTATCGCC[G>A]CTCCATGCGTTCGTGGTGCCTCCGCTGCAGCTTGGCGCACTCGCGGATGCGCCGCTCCGC-3'
Protein context (NP_775748.2, residues 153-173): LQRRHHERME[Arg163Trp]RYRRELAERS

ClinVar aggregate classification (germline): Uncertain significance. Review status: criteria provided, multiple submitters, no conflicts (2 of 4 stars). 2 submissions from 2 submitters: Uncertain significance (2). Last evaluated 2022-07-19.

Submissions (2):

Labcorp Genetics (formerly Invitae), Labcorp
Classification: Uncertain significance. Last evaluated: 2022-07-19. Review status: criteria provided, single submitter. Criteria: Invitae Variant Classification Sherloc (09022015). Collection method: clinical testing. Allele origin: germline.
Comment: In summary, the available evidence is currently insufficient to determine the role of this variant in disease. Therefore, it has been classified as a Variant of Uncertain Significance. Algorithms developed to predict the effect of missense changes on protein structure and function are either unavailable or do not agree on the potential impact of this missense change (SIFT: "Not Available"; PolyPhen-2: "Probably Damaging"; Align-GVGD: "Not Available"). ClinVar contains an entry for this variant (Variation ID: 1368808). This variant has not been reported in the literature in individuals affected with USH1G-related conditions. This variant is present in population databases (rs769161031, gnomAD 0.01%). This sequence change replaces arginine, which is basic and polar, with tryptophan, which is neutral and slightly polar, at codon 163 of the USH1G protein (p.Arg163Trp).

Blueprint Genetics
Classification: Uncertain significance. Last evaluated: 2019-12-27. Review status: criteria provided, single submitter. Criteria: ACMG Guidelines, 2015. Collection method: clinical testing. Allele origin: germline.